The following is an entry in ClinVar:

NM_000018.4(ACADVL):c.117C>T (p.Pro39=)

Genes: ACADVL (acyl-CoA dehydrogenase very long chain; plus strand), LOC130060113 (ATAC-STARR-seq lymphoblastoid silent region 8088; plus strand). Cytogenetic location: 17p13.1.
Variant type: single nucleotide variant.
Coding change: c.117C>T on transcript NM_000018.4 (MANE Select); coding-DNA position 117, C replaced by T.
Protein change: p.Pro39=; no amino-acid change (proline 39 retained).
Molecular consequence: synonymous variant. On other transcripts: 5 prime UTR variant (1).
Genome position (GRCh38, 1-based): chr17:7,220,176, C>T. VCF-style: chr17-7220176-C-T. GRCh37 (hg19) VCF-style: chr17-7123495-C-T.
Other names: NM_000018.4(ACADVL):c.117C>T; p.Pro39=; c.117C>T (NM_000018.2); c.117C>T, p.Pro39= (NM_001033859.3); c.186C>T, p.Pro62= (NM_001270447.2); c.-112C>T (NM_001270448.2).
Identifiers: ClinVar variation 703885 (VCV000703885.15), dbSNP rs370883584, ClinGen allele CA8337549.
Genomic context (GRCh38, chr17:7,220,176, plus strand): 5'-CCACAGCTCGCGGCTCACGGCGCTCCTGGGGCAGCCCCGGCCCGGCCCTGCCCGGCGGCC[C>T]TATGCCGGGGGTGCCGCTCAGGTAAGTCACCGCAGCCTTGGCAAGGGGGTGTGGGAGCGG-3'
Protein context (NP_000009.1, residues 29-49): GQPRPGPARR[Pro39=]YAGGAAQLAL

ClinVar aggregate classification (germline): Likely benign. Review status: reviewed by expert panel (3 of 4 stars). 4 submissions from 4 submitters: Likely benign (1). 3 of the submissions do not count toward it. Last evaluated 2022-07-28.

Conditions:
Inborn genetic diseases. Identifiers: MedGen C0950123, MeSH D030342.
Very long chain acyl-CoA dehydrogenase deficiency (ACADVLD). Also called: VLCAD Deficiency; Very Long-Chain Acyl-Coenzyme A Dehydrogenase Deficiency. Identifiers: Orphanet 26793, MedGen C3887523, MONDO:0008723, OMIM 201475.

Allele frequency attached by ClinVar (database versions not stated): ExAC below 0.00001; gnomAD exomes below 0.00001 and 0.00001; gnomAD 0.00001; 1000 Genomes Project 30x 0.00016.

Submissions (4):

ClinGen ACADVL Variant Curation Expert Panel, ClinGen
Classification: Likely benign for Very long chain acyl-CoA dehydrogenase deficiency. Last evaluated: 2022-07-28. Review status: reviewed by expert panel. Criteria: clingen acadvl acmg specifications v1. Collection method: curation. Allele origin: germline. Inheritance: Autosomal recessive inheritance.
Comment: The c.117C>T variant is a synonymous (silent) variant (p.Pro39=) which occurs in exon 10. The results from 2 in silico splicing predictors (SpliceAI, MutationTaster) support that this variant does not affect splicing. In addition, it occurs at a nucleotide that is not conserved as shown by the 100 vertebrate Basewise Conservation by PhyloP track in the UCSC genome browser (BP4, BP7). The highest population minor allele frequency in gnomAD v2.1.1 is 0.00009 in the East Asian population, which is lower than the ClinGen ACADVL Variant Curation Expert Panel threshold (<0.001) for PM2_Supporting; however, this is not considered conflicting evidence with BP4 and BP7. In summary, this variant meets the criteria to be classified as likely benign for autosomal recessive very long chain acyl-CoA dehydrogenase (VLCAD) deficiency based on the ACMG/AMP criteria applied, as specified by the ClinGen ACADVL Variant Curation Expert Panel: BP4, BP7 (ACADVL VCEP specifications version 1; approved November 8, 2021)

Labcorp Genetics (formerly Invitae), Labcorp
Classification: Likely benign for Very long chain acyl-CoA dehydrogenase deficiency. Last evaluated: 2026-01-19. Review status: criteria provided, single submitter. Criteria: Invitae Variant Classification Sherloc (09022015). Collection method: clinical testing. Allele origin: germline. Not counted in ClinVar's aggregate classification.

Ambry Genetics
Classification: Likely benign for Inborn genetic diseases. Last evaluated: 2022-12-16. Review status: criteria provided, single submitter. Criteria: Ambry Variant Classification Scheme 2023. Collection method: clinical testing. Allele origin: germline. Not counted in ClinVar's aggregate classification.

Natera, Inc.
Classification: Likely benign for Very long chain acyl-CoA dehydrogenase deficiency. Last evaluated: 2020-10-08. Review status: no assertion criteria provided. Collection method: clinical testing. Allele origin: germline. Not counted in ClinVar's aggregate classification.